The following is an entry in ClinVar:

ClinVar aggregate classification (germline): Conflicting classifications of pathogenicity. Review status: criteria provided, conflicting classifications (1 of 4 stars). 4 submissions from 4 submitters: Uncertain significance (3); Likely benign (1). Last evaluated 2025-03-13.

Conditions:
Hereditary cancer-predisposing syndrome. Also called: Neoplastic Syndromes, Hereditary; Tumor predisposition; Hereditary Cancer Syndrome; Hereditary neoplastic syndrome. Identifiers: Orphanet 140162, MedGen C0027672, MeSH D009386, MONDO:0015356.
Hereditary breast ovarian cancer syndrome. Also called: BRCA1- and BRCA2-Associated Hereditary Breast and Ovarian Cancer; Hereditary breast and ovarian cancer syndrome; Hereditary breast and ovarian cancer; Hereditary breast and ovarian cancer syndrome (HBOC); Breast and ovarian cancer; Hereditary breast and/or ovarian cancer syndrome. Identifiers: Orphanet 145, MedGen C0677776, MeSH D061325, MONDO:0003582. Disease mechanism: loss of function.

Submissions (4):

Quest Diagnostics Nichols Institute San Juan Capistrano
Classification: Uncertain significance. Last evaluated: 2025-03-13. Review status: criteria provided, single submitter. Criteria: Quest Diagnostics criteria. Collection method: clinical testing. Allele origin: unknown.
Comment: The BRCA2 c.5719T>A (p.Ser1907Thr) variant has been reported in the published literature in individuals with hereditary cancer (PMID: 31853058 (2020)), and described to be located in a region of the BRCA2 gene that is tolerant to missense sequence changes (PMID: 31911673 (2020)). This variant has not been reported in large, multi-ethnic general populations (Genome Aggregation Database). Analysis of this variant using bioinformatics tools for the prediction of the effect of amino acid changes on protein structure and function yielded predictions that this variant is benign. Based on the available information, we are unable to determine the clinical significance of this variant.

Labcorp Genetics (formerly Invitae), Labcorp
Classification: Uncertain significance for Hereditary breast ovarian cancer syndrome. Last evaluated: 2023-04-20. Review status: criteria provided, single submitter. Criteria: Invitae Variant Classification Sherloc (09022015). Collection method: clinical testing. Allele origin: germline.
Comment: In summary, the available evidence is currently insufficient to determine the role of this variant in disease. Therefore, it has been classified as a Variant of Uncertain Significance. This variant is not present in population databases (gnomAD no frequency). This variant has not been reported in the literature in individuals affected with BRCA2-related conditions. ClinVar contains an entry for this variant (Variation ID: 231754). Advanced modeling of protein sequence and biophysical properties (such as structural, functional, and spatial information, amino acid conservation, physicochemical variation, residue mobility, and thermodynamic stability) performed at Invitae indicates that this missense variant is not expected to disrupt BRCA2 protein function. This sequence change replaces serine, which is neutral and polar, with threonine, which is neutral and polar, at codon 1907 of the BRCA2 protein (p.Ser1907Thr).

University of Washington Department of Laboratory Medicine, University of Washington
Classification: Likely benign for Hereditary cancer-predisposing syndrome. Last evaluated: 2023-03-23. Review status: criteria provided, single submitter. Criteria: Dines et al. (Genet Med. 2020). Collection method: curation. Allele origin: germline.
Comment: Missense variant in a coldspot region where missense variants are very unlikely to be pathogenic (PMID:31911673).

BRCA2 exon 11 coldspot. Reclassification based on statistical prior probability.

Ambry Genetics
Classification: Uncertain significance for Hereditary cancer-predisposing syndrome. Last evaluated: 2015-05-08. Review status: criteria provided, single submitter. Criteria: Ambry Variant Classification Scheme 2023. Collection method: clinical testing. Allele origin: germline.
Comment: The p.S1907T variant (also known as c.5719T>A or 5947T>A), located in coding exon 10 of the BRCA2 gene, results from a T to A substitution at nucleotide position 5719. The serine at codon 1907 is replaced by threonine, an amino acid with similar properties. This variant was not reported in population based cohorts in the following databases: Database of Single Nucleotide Polymorphisms (dbSNP), NHLBI Exome Sequencing Project (ESP), and 1000 Genomes Project. In the ESP, this variant was not observed in 6503 samples (13006 alleles) with coverage of 6,503 at this position. To date, this alteration has been detected with an allele frequency of approximately 0.001% (greater than 150000 alleles tested) in our clinical cohort.This amino acid position is not well conserved in available vertebrate species. In addition, the in silico prediction for this alteration is inconclusive. Since supporting evidence is limited at this time, the clinical significance of p.S1907T remains unclear.

Literature cited by the submitters: PubMed 31911673 (cited by Quest Diagnostics Nichols Institute San Juan Capistrano); PubMed 31853058 (cited by Quest Diagnostics Nichols Institute San Juan Capistrano).

NM_000059.4(BRCA2):c.5719T>A (p.Ser1907Thr)

Gene: BRCA2 (BRCA2 DNA repair associated; plus strand). Cytogenetic location: 13q13.1.
Variant type: single nucleotide variant.
Coding change: c.5719T>A on transcript NM_000059.4 (MANE Select); coding-DNA position 5719, T replaced by A.
Protein change: p.Ser1907Thr; replaces serine 1907 with threonine.
Molecular consequence: missense variant.
Genome position (GRCh38, 1-based): chr13:32,340,074, T>A. VCF-style: chr13-32340074-T-A. GRCh37 (hg19) VCF-style: chr13-32914211-T-A.
Other names: short protein forms S1907T.
Identifiers: ClinVar variation 231754 (VCV000231754.11), dbSNP rs753445027, ClinGen allele CA10579666.